The following is an entry in ClinVar:

NM_016580.4(PCDH12):c.3122C>T (p.Pro1041Leu)

Genes: PCDH12 (protocadherin 12; minus strand), RNF14 (ring finger protein 14; plus strand). Cytogenetic location: 5q31.3.
Variant type: single nucleotide variant.
Coding change: c.3122C>T on transcript NM_016580.4 (MANE Select); coding-DNA position 3122, C replaced by T.
Protein change: p.Pro1041Leu; replaces proline 1041 with leucine.
Molecular consequence: missense variant.
Genome position (GRCh38, 1-based): chr5:141,949,440, G>A on the plus strand (C>T on the coding strand, the complement: PCDH12 is on the minus strand). VCF-style: chr5-141949440-G-A. GRCh37 (hg19) VCF-style: chr5-141329005-G-A.
Other names: c.3122C>T (NM_016580.2); short protein forms P1041L.
Identifiers: ClinVar variation 2071836 (VCV002071836.5), dbSNP rs368000377, ClinGen allele CA3484062.

ClinVar aggregate classification (germline): Uncertain significance. Review status: criteria provided, multiple submitters, no conflicts (2 of 4 stars). 2 submissions from 2 submitters: Uncertain significance (2). Last evaluated 2026-01-26.

Conditions:
Inborn genetic diseases. Identifiers: MedGen C0950123, MeSH D030342.

Allele frequency attached by ClinVar (database versions not stated): gnomAD exomes below 0.00001; ExAC 0.00003; gnomAD 0.00011; TOPMed 0.00011; ESP Exome Variant Server 0.00015.
gnomAD v4.1: 22 of 1,613,098 alleles (0.0014%); highest among the groups gnomAD compares: African/African-American, 0.027%; no homozygotes.

Submissions (2):

Labcorp Genetics (formerly Invitae), Labcorp
Classification: Uncertain significance. Last evaluated: 2026-01-26. Review status: criteria provided, single submitter. Criteria: Invitae Variant Classification Sherloc (09022015). Collection method: clinical testing. Allele origin: germline.
Comment: This sequence change replaces proline, which is neutral and non-polar, with leucine, which is neutral and non-polar, at codon 1041 of the PCDH12 protein (p.Pro1041Leu). This variant is present in population databases (rs368000377, gnomAD 0.03%). This variant has not been reported in the literature in individuals affected with PCDH12-related conditions. ClinVar contains an entry for this variant (Variation ID: 2071836). Invitae Evidence Modeling of protein sequence and biophysical properties (such as structural, functional, and spatial information, amino acid conservation, physicochemical variation, residue mobility, and thermodynamic stability) indicates that this missense variant is not expected to disrupt PCDH12 protein function with a negative predictive value of 95%. In summary, the available evidence is currently insufficient to determine the role of this variant in disease. Therefore, it has been classified as a Variant of Uncertain Significance.

Ambry Genetics
Classification: Uncertain significance for Inborn genetic diseases. Last evaluated: 2025-10-22. Review status: criteria provided, single submitter. Criteria: Ambry Variant Classification Scheme 2023. Collection method: clinical testing. Allele origin: germline.